The following is an entry in ClinVar:

NC_000005.10:g.112846779C>A

Variant type: single nucleotide variant.
Genome position: GRCh38 VCF-style: chr5-112846779-C-A. GRCh37 (hg19) VCF-style: chr5-112182476-C-A.
Identifiers: ClinVar variation 83274 (VCV000083274.3), dbSNP rs76630706, ClinGen allele CA250966.

ClinVar aggregate classification (germline): other (0 of 4 stars; one submission).

Conditions:
Familial colorectal cancer. Identifiers: MedGen CN280943, MONDO:0023113. Disease mechanism: loss of function.

Submission:

Systems Biology Platform Zhejiang California International NanoSystems Institute
Classification: other for Familial colorectal cancer. Review status: no assertion criteria provided. Collection method: not provided. Allele origin: unknown.
ClinVar note: Converted during submission from cancer to other.